The following is an entry in ClinVar:

NM_001004334.4(GPR179):c.953G>A (p.Arg318His)

Gene: GPR179 (G protein-coupled receptor 179; minus strand). Cytogenetic location: 17q12.
Variant type: single nucleotide variant.
Coding change: c.953G>A on transcript NM_001004334.4 (MANE Select); coding-DNA position 953, G replaced by A.
Protein change: p.Arg318His; replaces arginine 318 with histidine.
Molecular consequence: missense variant.
Genome position (GRCh38, 1-based): chr17:38,337,671, C>T on the plus strand (G>A on the coding strand, the complement: GPR179 is on the minus strand). VCF-style: chr17-38337671-C-T. GRCh37 (hg19) VCF-style: chr17-36493554-C-T.
Other names: short protein forms R318H.
Identifiers: ClinVar variation 1425574 (VCV001425574.7), dbSNP rs771821437, ClinGen allele CA290109645.
Genomic context (GRCh38, chr17:38,337,671, plus strand): 5'-GGCCCCCACCACACTTACATACCCCCAGAGGGGCTTGCCCCGTAGAATCCAGGTCGGCAG[C>T]GGCAGAGGTAGCGGCCAAGAACAAAGCCCTGACTCTCCAGGGGGACACACTATGGGGACA-3'
Protein context (NP_001004334.3, residues 308-328): QGFVLGRYLC[Arg318His]CRPGFYGASP

ClinVar aggregate classification (germline): Uncertain significance (1 of 4 stars; one submission).

Allele frequency attached by ClinVar (database versions not stated): ExAC 0.00002; gnomAD exomes 0.00002; TOPMed 0.00002; gnomAD 0.00004.

Submission:

Labcorp Genetics (formerly Invitae), Labcorp
Classification: Uncertain significance. Last evaluated: 2024-10-22. Review status: criteria provided, single submitter. Criteria: Invitae Variant Classification Sherloc (09022015). Collection method: clinical testing. Allele origin: germline.
Comment: This sequence change replaces arginine, which is basic and polar, with histidine, which is basic and polar, at codon 318 of the GPR179 protein (p.Arg318His). This variant is present in population databases (rs771821437, gnomAD 0.005%). This variant has not been reported in the literature in individuals affected with GPR179-related conditions. ClinVar contains an entry for this variant (Variation ID: 1425574). An algorithm developed to predict the effect of missense changes on protein structure and function outputs the following: PolyPhen-2: "Benign". The histidine amino acid residue is found in multiple mammalian species, which suggests that this missense change does not adversely affect protein function. In summary, the available evidence is currently insufficient to determine the role of this variant in disease. Therefore, it has been classified as a Variant of Uncertain Significance.